The following is an entry in ClinVar:

ClinVar aggregate classification (germline): Conflicting classifications of pathogenicity. Review status: criteria provided, conflicting classifications (1 of 4 stars). 2 submissions from 2 submitters: Uncertain significance (1); Likely benign (1). Last evaluated 2024-06-17.

Conditions:
Inborn genetic diseases. Identifiers: MedGen C0950123, MeSH D030342.

Allele frequency attached by ClinVar (database versions not stated): gnomAD 0.00002; gnomAD exomes 0.00002; ExAC 0.00011.
gnomAD v4.1: 9 of 510,970 alleles (0.0018%); highest among the groups gnomAD compares: African/African-American, 0.021%; no homozygotes.

Submissions (2):

Ambry Genetics
Classification: Likely benign for Inborn genetic diseases. Last evaluated: 2024-06-17. Review status: criteria provided, single submitter. Criteria: Ambry Variant Classification Scheme 2023. Collection method: clinical testing. Allele origin: germline.

Women's Health and Genetics/Laboratory Corporation of America, LabCorp
Classification: Uncertain significance. Last evaluated: 2024-04-22. Review status: criteria provided, single submitter. Criteria: LabCorp Variant Classification Summary - May 2015. Collection method: clinical testing. Allele origin: germline.
Comment: Variant summary: ASXL3 c.6094C>T (p.Pro2032Ser) results in a non-conservative amino acid change in the encoded protein sequence. Three of five in-silico tools predict a benign effect of the variant on protein function. The variant allele was found at a frequency of 1.5e-05 in 137200 control chromosomes. The available data on variant occurrences in the general population are insufficient to allow any conclusion about variant significance. To our knowledge, no occurrence of c.6094C>T in individuals affected with Bainbridge-Ropers Syndrome and no experimental evidence demonstrating its impact on protein function have been reported. No submitters have cited clinical-significance assessments for this variant to ClinVar. Based on the evidence outlined above, the variant was classified as uncertain significance.

Literature cited by the submitters: PubMed 25106414 (cited by Women's Health and Genetics/Laboratory Corporation of America, LabCorp); PubMed 21706002 (cited by Women's Health and Genetics/Laboratory Corporation of America, LabCorp).

NM_030632.3(ASXL3):c.6094C>T (p.Pro2032Ser)

Gene: ASXL3 (ASXL transcriptional regulator 3; plus strand). Cytogenetic location: 18q12.1.
Variant type: single nucleotide variant.
Coding change: c.6094C>T on transcript NM_030632.3 (MANE Select); coding-DNA position 6094, C replaced by T.
Protein change: p.Pro2032Ser; replaces proline 2032 with serine.
Molecular consequence: missense variant.
Genome position (GRCh38, 1-based): chr18:33,745,942, C>T. VCF-style: chr18-33745942-C-T. GRCh37 (hg19) VCF-style: chr18-31325906-C-T.
Other names: c.6094C>T (NM_030632.1); short protein forms P2032S.
Identifiers: ClinVar variation 3251799 (VCV003251799.2), dbSNP rs758569568.